The following is an entry in ClinVar:

ClinVar aggregate classification (germline): Uncertain significance (1 of 4 stars; one submission).

Conditions:
Hereditary cancer-predisposing syndrome. Also called: Neoplastic Syndromes, Hereditary; Tumor predisposition; Hereditary neoplastic syndrome; Hereditary Cancer Syndrome. Identifiers: Orphanet 140162, MedGen C0027672, MeSH D009386, MONDO:0015356.

Submission:

Ambry Genetics
Classification: Uncertain significance for Hereditary cancer-predisposing syndrome. Last evaluated: 2022-12-08. Review status: criteria provided, single submitter. Criteria: Ambry Variant Classification Scheme 2023. Collection method: clinical testing. Allele origin: germline.
Comment: The p.I318N variant (also known as c.953T>A), located in coding exon 8 of the SUFU gene, results from a T to A substitution at nucleotide position 953. The isoleucine at codon 318 is replaced by asparagine, an amino acid with dissimilar properties. This amino acid position is conserved. In addition, this alteration is predicted to be tolerated by in silico analysis. Since supporting evidence is limited at this time, the clinical significance of this alteration remains unclear.

NM_016169.4(SUFU):c.953T>A (p.Ile318Asn)

Gene: SUFU (SUFU negative regulator of hedgehog signaling; plus strand). Cytogenetic location: 10q24.32.
Variant type: single nucleotide variant.
Coding change: c.953T>A on transcript NM_016169.4 (MANE Select); coding-DNA position 953, T replaced by A.
Protein change: p.Ile318Asn; replaces isoleucine 318 with asparagine.
Molecular consequence: missense variant.
Genome position (GRCh38, 1-based): chr10:102,599,475, T>A. VCF-style: chr10-102599475-T-A. GRCh37 (hg19) VCF-style: chr10-104359232-T-A.
Other names: c.953T>A, p.Ile318Asn (NM_001178133.2); short protein forms I318N.
Identifiers: ClinVar variation 2452606 (VCV002452606.2), dbSNP rs2545100645, ClinGen allele CA377911073.
Genomic context (GRCh38, chr10:102,599,475, plus strand): 5'-TTAGTGGTGTCGTTGCAGACACAGAGCAGATCCGGGAGACCCTGAGGAGAGGACTCGAGA[T>A]CAACAGCAAACCTGTCCTTCCACCAATCAACCCTCAGCGGCAGAATGGCCTCGCCCACGA-3'
Protein context (NP_057253.2, residues 308-328): IRETLRRGLE[Ile318Asn]NSKPVLPPIN